The following is an entry in ClinVar:

NM_001352186.2(ANKS1B):c.1272+6673C>T

Genes: ANKS1B (ankyrin repeat and sterile alpha motif domain containing 1B; minus strand), GARIN6 (golgi associated RAB2 interactor family member 6; plus strand). Cytogenetic location: 12q23.1.
Variant type: single nucleotide variant.
Coding change: c.1272+6673C>T on transcript NM_001352186.2 (MANE Select); 6673 bases into the intron after coding-DNA position 1272, C replaced by T.
Molecular consequence: intron variant. On other transcripts: missense variant (1).
Genome position (GRCh38, 1-based): chr12:99,648,394, G>A on the plus strand (C>T on the coding strand, the complement: ANKS1B is on the minus strand). VCF-style: chr12-99648394-G-A. GRCh37 (hg19) VCF-style: chr12-100042172-G-A.
Other names: c.220G>A, p.Val74Ile (NM_153364.4); c.1272+6673C>T (NM_152788.4, NM_001352185.1, NM_001352187.1 and 1 more transcripts); short protein forms V74I.
Identifiers: ClinVar variation 2643228 (VCV002643228.24), dbSNP rs112162917, ClinGen allele CA6735388.

ClinVar aggregate classification (germline): Benign (1 of 4 stars; one submission).

Allele frequency attached by ClinVar (database versions not stated): gnomAD exomes 0.00056; ExAC 0.00098; 1000 Genomes Project 30x 0.00156; ESP Exome Variant Server 0.00185; TOPMed 0.00189; gnomAD 0.00198; 1000 Genomes Project 0.00200.
gnomAD v4.1: 1,195 of 1,614,118 alleles (0.074%); highest among the groups gnomAD compares: African/African-American, 0.51%; 8 homozygotes.

Submission:

CeGaT Center for Human Genetics Tuebingen
Classification: Benign. Last evaluated: 2022-09-01. Review status: criteria provided, single submitter. Criteria: CeGaT Center For Human Genetics Tuebingen Variant Classification Criteria Version 2. Collection method: clinical testing. Allele origin: germline. Affected: yes. Observed: 1 variant allele.
Comment: ANKS1B: BS1, BS2